The following is an entry in ClinVar:

NM_006269.2(RP1):c.1637G>A (p.Ser546Asn)

Gene: RP1 (RP1 axonemal microtubule associated; plus strand). Cytogenetic location: 8q12.1.
Variant type: single nucleotide variant.
Coding change: c.1637G>A on transcript NM_006269.2 (MANE Select); coding-DNA position 1637, G replaced by A.
Protein change: p.Ser546Asn; replaces serine 546 with asparagine.
Molecular consequence: missense variant. On other transcripts: intron variant (1).
Genome position (GRCh38, 1-based): chr8:54,625,519, G>A. VCF-style: chr8-54625519-G-A. GRCh37 (hg19) VCF-style: chr8-55538079-G-A.
Other names: c.787+3231G>A (NM_001375654.1); short protein forms S546N.
Identifiers: ClinVar variation 3682226 (VCV003682226.2).

ClinVar aggregate classification (germline): Uncertain significance (1 of 4 stars; one submission).

gnomAD v4.1: 6 of 1,613,884 alleles (0.00037%); highest among the groups gnomAD compares: Non-Finnish European, 0.00042%; no homozygotes.

Submission:

Labcorp Genetics (formerly Invitae), Labcorp
Classification: Uncertain significance. Last evaluated: 2024-09-16. Review status: criteria provided, single submitter. Criteria: Invitae Variant Classification Sherloc (09022015). Collection method: clinical testing. Allele origin: germline.
Comment: This sequence change replaces serine, which is neutral and polar, with asparagine, which is neutral and polar, at codon 546 of the RP1 protein (p.Ser546Asn). This variant is not present in population databases (gnomAD no frequency). This variant has not been reported in the literature in individuals affected with RP1-related conditions. An algorithm developed to predict the effect of missense changes on protein structure and function outputs the following: PolyPhen-2: "Benign". The asparagine amino acid residue is found in multiple mammalian species, which suggests that this missense change does not adversely affect protein function. In summary, the available evidence is currently insufficient to determine the role of this variant in disease. Therefore, it has been classified as a Variant of Uncertain Significance.